The following is an entry in ClinVar:

NM_000751.3(CHRND):c.1484A>G (p.Asn495Ser)

Gene: CHRND (cholinergic receptor nicotinic delta subunit; plus strand). Cytogenetic location: 2q37.1.
Variant type: single nucleotide variant.
Coding change: c.1484A>G on transcript NM_000751.3 (MANE Select); coding-DNA position 1484, A replaced by G.
Protein change: p.Asn495Ser; replaces asparagine 495 with serine.
Molecular consequence: missense variant.
Genome position (GRCh38, 1-based): chr2:232,535,242, A>G. VCF-style: chr2-232535242-A-G. GRCh37 (hg19) VCF-style: chr2-233399952-A-G.
Other names: c.1439A>G, p.Asn480Ser (NM_001256657.2); c.902A>G, p.Asn301Ser (NM_001311195.2); c.1181A>G, p.Asn394Ser (NM_001311196.2); short protein forms N480S, N301S, N394S, N495S.
Identifiers: ClinVar variation 1961820 (VCV001961820.5), dbSNP rs1374566262, ClinGen allele CA351006117.
Genomic context (GRCh38, chr2:232,535,242, plus strand): 5'-TTGTGGTGACGCCTGTCATGGTGGTGGGCACAGCCTGGATCTTCCTGCAGGGCGTTTACA[A>G]CCAGCCACCACCCCAGCCTTTTCCTGGGGACCCCTACTCCTACAACGTGCAGGACAAGCG-3'
Protein context (NP_000742.1, residues 485-505): TAWIFLQGVY[Asn495Ser]QPPPQPFPGD

ClinVar aggregate classification (germline): Uncertain significance (1 of 4 stars; one submission).

Conditions:
Lethal multiple pterygium syndrome (LMPS). Identifiers: Orphanet 33108, MedGen C1854678, MONDO:0009668, OMIM 253290.

Allele frequency attached by ClinVar (database versions not stated): gnomAD 0.00001.
gnomAD v4.1: 1 of 1,614,056 alleles (0.000062%); highest among the groups gnomAD compares: African/African-American, 0.0013%; no homozygotes.

Submission:

Labcorp Genetics (formerly Invitae), Labcorp
Classification: Uncertain significance for Lethal multiple pterygium syndrome. Last evaluated: 2022-06-26. Review status: criteria provided, single submitter. Criteria: Invitae Variant Classification Sherloc (09022015). Collection method: clinical testing. Allele origin: germline.
Comment: In summary, the available evidence is currently insufficient to determine the role of this variant in disease. Therefore, it has been classified as a Variant of Uncertain Significance. Advanced modeling of protein sequence and biophysical properties (such as structural, functional, and spatial information, amino acid conservation, physicochemical variation, residue mobility, and thermodynamic stability) performed at Invitae indicates that this missense variant is not expected to disrupt CHRND protein function. This variant has not been reported in the literature in individuals affected with CHRND-related conditions. This variant is present in population databases (no rsID available, gnomAD 0.01%). This sequence change replaces asparagine, which is neutral and polar, with serine, which is neutral and polar, at codon 495 of the CHRND protein (p.Asn495Ser).